The following is an entry in ClinVar:

NM_006939.4(SOS2):c.2030A>G (p.Lys677Arg)

Gene: SOS2 (SOS Ras/Rho guanine nucleotide exchange factor 2; minus strand). Cytogenetic location: 14q21.3.
Variant type: single nucleotide variant.
Coding change: c.2030A>G on transcript NM_006939.4 (MANE Select); coding-DNA position 2030, A replaced by G.
Protein change: p.Lys677Arg; replaces lysine 677 with arginine.
Molecular consequence: missense variant.
Genome position (GRCh38, 1-based): chr14:50,157,026, T>C on the plus strand (A>G on the coding strand, the complement: SOS2 is on the minus strand). VCF-style: chr14-50157026-T-C. GRCh37 (hg19) VCF-style: chr14-50623744-T-C.
Other names: c.1931A>G, p.Lys644Arg (NM_001411020.1); short protein forms K644R, K677R.
Identifiers: ClinVar variation 2617413 (VCV002617413.4), dbSNP rs2502974343, ClinGen allele CA389644396.
Genomic context (GRCh38, chr14:50,157,026, plus strand): 5'-TATATATATATATAAAAAATATTCAAGCCAAACCTAAGTTGTACTGGTTGGACATATTCC[T>C]TGCGAAATCTTTTAAGGTCTGCACTGATTGGCTGCTCGCCTTTCTCTATTGCCAATTTGT-3'
Protein context (NP_008870.2, residues 667-687): PISADLKRFR[Lys677Arg]EYVQPVQLRI

ClinVar aggregate classification (germline): Uncertain significance. Review status: criteria provided, multiple submitters, no conflicts (2 of 4 stars). 2 submissions from 2 submitters: Uncertain significance (2). Last evaluated 2024-03-05.

Conditions:
Cardiovascular phenotype. Identifiers: MedGen CN230736.
Noonan syndrome 9 (NS9). Identifiers: Orphanet 648, MedGen C4225282, MONDO:0014691, OMIM 616559.

Submissions (2):

Labcorp Genetics (formerly Invitae), Labcorp
Classification: Uncertain significance for Noonan syndrome 9. Last evaluated: 2024-03-05. Review status: criteria provided, single submitter. Criteria: Invitae Variant Classification Sherloc (09022015). Collection method: clinical testing. Allele origin: germline.
Comment: This sequence change replaces lysine, which is basic and polar, with arginine, which is basic and polar, at codon 677 of the SOS2 protein (p.Lys677Arg). This variant is not present in population databases (gnomAD no frequency). This variant has not been reported in the literature in individuals affected with SOS2-related conditions. ClinVar contains an entry for this variant (Variation ID: 2617413). Advanced modeling of protein sequence and biophysical properties (such as structural, functional, and spatial information, amino acid conservation, physicochemical variation, residue mobility, and thermodynamic stability) performed at Invitae indicates that this missense variant is not expected to disrupt SOS2 protein function with a negative predictive value of 80%. In summary, the available evidence is currently insufficient to determine the role of this variant in disease. Therefore, it has been classified as a Variant of Uncertain Significance.

Ambry Genetics
Classification: Uncertain significance for Cardiovascular phenotype. Last evaluated: 2023-08-08. Review status: criteria provided, single submitter. Criteria: Ambry Variant Classification Scheme 2023. Collection method: clinical testing. Allele origin: germline.